The following is an entry in ClinVar:

ClinVar aggregate classification (germline): Pathogenic (1 of 4 stars; one submission).

Conditions:
Inborn genetic diseases. Identifiers: MedGen C0950123, MeSH D030342.

Submission:

Ambry Genetics
Classification: Pathogenic for Inborn genetic diseases. Last evaluated: 2026-06-26. Review status: criteria provided, single submitter. Criteria: Ambry Variant Classification Scheme 2023. Collection method: clinical testing. Allele origin: germline.
Comment: The c.834dupC (p.K279Qfs*147) alteration, located in exon 7 (coding exon 7) of the CTNND2 gene, consists of a duplication of C at position 834, causing a translational frameshift with a predicted alternate stop codon after 147 amino acids. This variant is expected to result in loss of function by premature protein truncation or nonsense-mediated mRNA decay. This variant was not reported in population-based cohorts in the Genome Aggregation Database (gnomAD). Based on the available evidence, this alteration is classified as pathogenic.

NM_001332.4(CTNND2):c.834dup (p.Lys279fs)

Gene: CTNND2 (catenin delta 2; minus strand). Cytogenetic location: 5p15.2.
Variant type: Duplication.
Coding change: c.834dup on transcript NM_001332.4 (MANE Select); coding-DNA position 834, one base duplicated (C; older notation c.834dupC).
Protein change: p.Lys279fs; shifts the reading frame from lysine 279.
Molecular consequence: frameshift variant. On other transcripts: intron variant (3).
Genome position (GRCh38, 1-based): chr5:11,385,008, G duplicated on the plus strand (C on the coding strand, the reverse complement: CTNND2 is on the minus strand); the first of 2 consecutive G bases (chr5:11,385,008-11,385,009); duplicating either gives the same sequence. VCF-style (leftmost placement, unchanged base first): chr5-11385007-T-TG. GRCh37 (hg19) VCF-style: chr5-11385119-T-TG.
Other names: c.561dup, p.Lys188fs (NM_001288715.1); c.-123+12023dup (NM_001288717.2); c.167-20118dup (NM_001364128.2, NM_001288716.1); short protein forms K279fs, K188fs.
Identifiers: ClinVar variation 5035035 (VCV005035035.1).